The following is an entry in ClinVar:

ClinVar aggregate classification (germline): Uncertain significance (1 of 4 stars; one submission).

Conditions:
MAST1-related disorder. Also called: MAST1-related condition.

Allele frequency attached by ClinVar (database versions not stated): TOPMed below 0.00001; ExAC 0.00001; gnomAD exomes 0.00001.
gnomAD v4.1: 4 of 1,614,000 alleles (0.00025%); highest among the groups gnomAD compares: Non-Finnish European, 0.00034%; no homozygotes.

Submission:

PreventionGenetics, part of Exact Sciences
Classification: Uncertain significance for MAST1-related condition. Last evaluated: 2022-10-05. Review status: criteria provided, single submitter. Criteria: ACMG Guidelines, 2015. Collection method: clinical testing. Allele origin: germline.
Comment: The MAST1 c.2972C>T variant is predicted to result in the amino acid substitution p.Thr991Met. To our knowledge, this variant has not been reported in the literature. This variant is reported in 0.00088% of alleles in individuals of European (Non-Finnish) descent in gnomAD. At this time, the clinical significance of this variant is uncertain due to the absence of conclusive functional and genetic evidence.

NM_014975.3(MAST1):c.2972C>T (p.Thr991Met)

Gene: MAST1 (microtubule associated serine/threonine kinase 1; plus strand). Cytogenetic location: 19p13.13.
Variant type: single nucleotide variant.
Coding change: c.2972C>T on transcript NM_014975.3 (MANE Select); coding-DNA position 2972, C replaced by T.
Protein change: p.Thr991Met; replaces threonine 991 with methionine.
Molecular consequence: missense variant.
Genome position (GRCh38, 1-based): chr19:12,869,264, C>T. VCF-style: chr19-12869264-C-T. GRCh37 (hg19) VCF-style: chr19-12980078-C-T.
Other names: short protein forms T991M.
Identifiers: ClinVar variation 2637251 (VCV002637251.1), dbSNP rs768566231, ClinGen allele CA9233269.